The following is an entry in ClinVar:

ClinVar aggregate classification (germline): Pathogenic. Review status: criteria provided, multiple submitters, no conflicts (2 of 4 stars). 2 submissions from 2 submitters: Pathogenic (2). Last evaluated 2025-07-07.

Conditions:
Juvenile polyposis syndrome (JPS). Identifiers: Orphanet 2929, MedGen C0345893, MONDO:0017380, OMIM 174900.
Hereditary cancer-predisposing syndrome. Also called: Neoplastic Syndromes, Hereditary; Hereditary neoplastic syndrome; Tumor predisposition; Hereditary Cancer Syndrome. Identifiers: Orphanet 140162, MedGen C0027672, MeSH D009386, MONDO:0015356.

Submissions (2):

Ambry Genetics
Classification: Pathogenic for Hereditary cancer-predisposing syndrome. Last evaluated: 2025-07-07. Review status: criteria provided, single submitter. Criteria: Ambry Variant Classification Scheme 2023. Collection method: clinical testing. Allele origin: germline.
Comment: The c.430+1G>A intronic pathogenic mutation results from a G to A substitution one nucleotide after coding exon 4 of the BMPR1A gene. This variant is considered to be rare based on population cohorts in the Genome Aggregation Database (gnomAD). This nucleotide position is highly conserved in available vertebrate species. In silico splice site analysis predicts that this alteration will weaken the native splice donor site; however, direct evidence is insufficient at this time (Ambry internal data). Alterations that disrupt the canonical splice site are expected to cause aberrant splicing, resulting in an abnormal protein or a transcript that is subject to nonsense-mediated mRNA decay. As such, this variant is classified as a disease-causing mutation.

Labcorp Genetics (formerly Invitae), Labcorp
Classification: Pathogenic for Juvenile polyposis syndrome. Last evaluated: 2024-03-13. Review status: criteria provided, single submitter. Criteria: Invitae Variant Classification Sherloc (09022015). Collection method: clinical testing. Allele origin: germline.
Comment: This sequence change affects a donor splice site in intron 6 of the BMPR1A gene. It is expected to disrupt RNA splicing. Variants that disrupt the donor or acceptor splice site typically lead to a loss of protein function (PMID: 16199547), and loss-of-function variants in BMPR1A are known to be pathogenic (PMID: 11536076, 12417513). This variant is not present in population databases (gnomAD no frequency). Disruption of this splice site has been observed in individual(s) with juvenile polyposis syndrome (Invitae). It has also been observed to segregate with disease in related individuals. ClinVar contains an entry for this variant (Variation ID: 835681). Algorithms developed to predict the effect of sequence changes on RNA splicing suggest that this variant may disrupt the consensus splice site. For these reasons, this variant has been classified as Pathogenic.

Literature cited by the submitters: PubMed 16199547 (cited by Labcorp Genetics (formerly Invitae), Labcorp); PubMed 11536076 (cited by Labcorp Genetics (formerly Invitae), Labcorp); PubMed 12417513 (cited by Labcorp Genetics (formerly Invitae), Labcorp).

NM_004329.3(BMPR1A):c.430+1G>A

Gene: BMPR1A (bone morphogenetic protein receptor type 1A; plus strand). Cytogenetic location: 10q23.2.
Variant type: single nucleotide variant.
Coding change: c.430+1G>A on transcript NM_004329.3 (MANE Select); the canonical splice donor site of the intron after coding-DNA position 430, G replaced by A.
Molecular consequence: splice donor variant. On other transcripts: intron variant (1).
Genome position (GRCh38, 1-based): chr10:86,899,891, G>A. VCF-style: chr10-86899891-G-A. GRCh37 (hg19) VCF-style: chr10-88659648-G-A.
Other names: c.430+1G>A (NM_001406562.1, NM_001406568.1, NM_001406567.1 and 22 more transcripts); c.346+1G>A (NM_001406584.1, NM_001406588.1, NM_001406587.1 and 2 more transcripts); c.333+7662G>A (NM_001406589.1).
Identifiers: ClinVar variation 835681 (VCV000835681.13), dbSNP rs1843283551, ClinGen allele CA377449914.
Genomic context (GRCh38, chr10:86,899,891, plus strand): 5'-GTTGTCGGACCAATTTATGTAACCAGTATTTGCAACCCACACTGCCCCCTGTTGTCATAG[G>A]TAGGTTAGCCGAGAAAAGTCGGAGCATGCTTCTCAAATATCTTCTCTGGTTTTACAGTAA-3'